The following is an entry in ClinVar:

ClinVar aggregate classification (germline): Uncertain significance (1 of 4 stars; one submission).

Conditions:
Vici syndrome (VICIS). Identifiers: Orphanet 1493, MedGen C1855772, MONDO:0009452, OMIM 242840.

Submission:

Labcorp Genetics (formerly Invitae), Labcorp
Classification: Uncertain significance for Vici syndrome. Last evaluated: 2024-04-06. Review status: criteria provided, single submitter. Criteria: Invitae Variant Classification Sherloc (09022015). Collection method: clinical testing. Allele origin: germline.
Comment: This sequence change replaces proline, which is neutral and non-polar, with leucine, which is neutral and non-polar, at codon 2255 of the EPG5 protein (p.Pro2255Leu). This variant is present in population databases (no rsID available, gnomAD 0.0009%). This variant has not been reported in the literature in individuals affected with EPG5-related conditions. An algorithm developed to predict the effect of missense changes on protein structure and function (PolyPhen-2) suggests that this variant is likely to be disruptive. In summary, the available evidence is currently insufficient to determine the role of this variant in disease. Therefore, it has been classified as a Variant of Uncertain Significance.

NM_020964.3(EPG5):c.6764C>T (p.Pro2255Leu)

Gene: EPG5 (ectopic P-granules 5 autophagy tethering factor; minus strand). Cytogenetic location: 18q12.3.
Variant type: single nucleotide variant.
Coding change: c.6764C>T on transcript NM_020964.3 (MANE Select); coding-DNA position 6764, C replaced by T.
Protein change: p.Pro2255Leu; replaces proline 2255 with leucine.
Molecular consequence: missense variant.
Genome position (GRCh38, 1-based): chr18:45,865,617, G>A on the plus strand (C>T on the coding strand, the complement: EPG5 is on the minus strand). VCF-style: chr18-45865617-G-A. GRCh37 (hg19) VCF-style: chr18-43445582-G-A.
Other names: c.6764C>T, p.Pro2255Leu (NM_001410858.1); c.6761C>T, p.Pro2254Leu (NM_001410859.1); short protein forms P2255L, P2254L.
Identifiers: ClinVar variation 3649040 (VCV003649040.2).
Genomic context (GRCh38, chr18:45,865,617, plus strand): 5'-TACGCACAGCAGGAATGCATTGACTGAATGAATACAGGACTTCCGACTGGTCACTTACCG[G>A]GCGGGTTAAAGACAATGATATCGTCTAAGAGCTTAGACATTTCCTGTTCTAGGACTGCTA-3'
Protein context (NP_066015.2, residues 2245-2265): LLDDIIVFNP[Pro2255Leu]DMDSQTRHMA